The following is an entry in ClinVar:

ClinVar aggregate classification (germline): Uncertain significance (1 of 4 stars; one submission).

Conditions:
Hereditary cancer-predisposing syndrome. Also called: Neoplastic Syndromes, Hereditary; Tumor predisposition; Hereditary Cancer Syndrome; Hereditary neoplastic syndrome. Identifiers: Orphanet 140162, MedGen C0027672, MeSH D009386, MONDO:0015356.

Submission:

Ambry Genetics
Classification: Uncertain significance for Hereditary cancer-predisposing syndrome. Last evaluated: 2018-12-24. Review status: criteria provided, single submitter. Criteria: Ambry Variant Classification Scheme 2023. Collection method: clinical testing. Allele origin: germline.
Comment: The p.V352A variant (also known as c.1055T>C), located in coding exon 4 of the MSH6 gene, results from a T to C substitution at nucleotide position 1055. The valine at codon 352 is replaced by alanine, an amino acid with similar properties. This amino acid position is not well conserved in available vertebrate species. In addition, this alteration is predicted to be tolerated by in silico analysis. In addition, the CoDP in silico tool predicts this alteration to have minor impact on molecular function, with a score of 0.000 (Terui H et al. J. Biomed. Sci. 2013 Apr;20:25). Since supporting evidence is limited at this time, the clinical significance of this alteration remains unclear.

NM_000179.3(MSH6):c.1055T>C (p.Val352Ala)

Gene: MSH6 (mutS homolog 6; plus strand). Cytogenetic location: 2p16.3.
Variant type: single nucleotide variant.
Coding change: c.1055T>C on transcript NM_000179.3 (MANE Select); coding-DNA position 1055, T replaced by C.
Protein change: p.Val352Ala; replaces valine 352 with alanine.
Molecular consequence: missense variant.
Genome position (GRCh38, 1-based): chr2:47,799,038, T>C. VCF-style: chr2-47799038-T-C. GRCh37 (hg19) VCF-style: chr2-48026177-T-C.
Other names: c.665T>C, p.Val222Ala (NM_001281492.2); c.149T>C, p.Val50Ala (NM_001281493.2, NM_001281494.2, NM_001406811.1 and 6 more transcripts); c.1151T>C, p.Val384Ala (NM_001406795.1, NM_001406802.1); c.1055T>C, p.Val352Ala (NM_001406796.1, NM_001406798.1, NM_001406800.1 and 4 more transcripts); c.758T>C, p.Val253Ala (NM_001406797.1, NM_001406801.1, NM_001406805.1 and 10 more transcripts); c.530T>C, p.Val177Ala (NM_001406799.1, NM_001406806.1, NM_001406807.1); c.977T>C, p.Val326Ala (NM_001406804.1); c.1061T>C, p.Val354Ala (NM_001406813.1); and 1 more; short protein forms V352A, V222A, V296A, V384A, V50A, V177A, V326A, V354A.
Identifiers: ClinVar variation 1778458 (VCV001778458.2), dbSNP rs2104316561, ClinGen allele CA346741567.
Genomic context (GRCh38, chr2:47,799,038, plus strand): 5'-AAACCAAGAATACTTTGAGAGCTTTCTCTGCCCCTCAAAATTCTGAATCCCAAGCCCACG[T>C]TAGTGGAGGTGGTGATGACAGTAGTCGCCCTACTGTTTGGTATCATGAAACTTTAGAATG-3'
Protein context (NP_000170.1, residues 342-362): APQNSESQAH[Val352Ala]SGGGDDSSRP